The following is an entry in ClinVar:

NM_007294.4(BRCA1):c.4895T>C (p.Val1632Ala)

Gene: BRCA1 (BRCA1 DNA repair associated; minus strand). Cytogenetic location: 17q21.31.
Variant type: single nucleotide variant.
Coding change: c.4895T>C on transcript NM_007294.4 (MANE Select); coding-DNA position 4895, T replaced by C.
Protein change: p.Val1632Ala; replaces valine 1632 with alanine.
Molecular consequence: missense variant. On other transcripts: non-coding transcript variant (1).
Genome position (GRCh38, 1-based): chr17:43,071,019, A>G on the plus strand (T>C on the coding strand, the complement: BRCA1 is on the minus strand). VCF-style: chr17-43071019-A-G. GRCh37 (hg19) VCF-style: chr17-41223036-A-G.
Other names: c.4682T>C, p.Val1561Ala (NM_001407571.1, NM_001407907.1, NM_001407908.1 and 12 more transcripts); c.4961T>C, p.Val1654Ala (NM_001407581.1, NM_001407582.1); c.4958T>C, p.Val1653Ala (NM_001407583.1, NM_001407585.1, NM_001407587.1 and 1 more transcripts); c.4955T>C, p.Val1652Ala (NM_001407590.1, NM_001407591.1); c.4895T>C, p.Val1632Ala (NM_001407593.1, NM_001407594.1, NM_001407596.1 and 8 more transcripts); c.4892T>C, p.Val1631Ala (NM_001407614.1, NM_001407615.1, NM_001407616.1 and 17 more transcripts); c.4889T>C, p.Val1630Ala (NM_001407633.1, NM_001407634.1, NM_001407635.1 and 14 more transcripts); c.4817T>C, p.Val1606Ala (NM_001407655.1, NM_001407653.1, NM_001407654.1); and 70 more; short protein forms V1632A, V1653A, V1585A, V528A, V1627A, V1629A, V415A, V420A.
Identifiers: ClinVar variation 865392 (VCV000865392.3), dbSNP rs1397965282, ClinGen allele CA10591735.

Conditions:
Breast-ovarian cancer, familial, susceptibility to, 1 (BROVCA1). Also called: BRCA1 Hereditary Breast and Ovarian Cancer; OVARIAN CANCER, SUSCEPTIBILITY TO. Identifiers: Orphanet 145, MedGen C2676676, MONDO:0011450, OMIM 604370. Disease mechanism: loss of function.

Submission:

Brotman Baty Institute, University of Washington
No classification provided (evidence only). Condition: Breast-ovarian cancer, familial 1. Review status: no classification provided. Collection method: in vitro. Allele origin: not applicable. Functional consequence: functionally_normal.
ClinVar note: "not provided" was previously submitted as the classification for the variant. However, the classification appeared to be based only on an observation of functional data so it was converted to no classification on 2025-07-30.